The following is an entry in ClinVar:

NM_013296.5(GPSM2):c.1119G>A (p.Met373Ile)

Gene: GPSM2 (G protein signaling modulator 2; plus strand). Cytogenetic location: 1p13.3.
Variant type: single nucleotide variant.
Coding change: c.1119G>A on transcript NM_013296.5 (MANE Select); coding-DNA position 1119, G replaced by A.
Protein change: p.Met373Ile; replaces methionine 373 with isoleucine.
Molecular consequence: missense variant.
Genome position (GRCh38, 1-based): chr1:108,904,181, G>A. VCF-style: chr1-108904181-G-A. GRCh37 (hg19) VCF-style: chr1-109446803-G-A.
Other names: c.1119G>A, p.Met373Ile (NM_001321038.2, NM_001321039.3); short protein forms M373I.
Identifiers: ClinVar variation 1695705 (VCV001695705.9), dbSNP rs750908300, ClinGen allele CA982973.

ClinVar aggregate classification (germline): Uncertain significance. Review status: criteria provided, multiple submitters, no conflicts (2 of 4 stars). 2 submissions from 2 submitters: Uncertain significance (2). Last evaluated 2024-12-02.

Allele frequency attached by ClinVar (database versions not stated): gnomAD exomes below 0.00001 and 0.00001; TOPMed below 0.00001; ExAC 0.00001.
gnomAD v4.1: 3 of 1,593,176 alleles (0.00019%); highest among the groups gnomAD compares: Admixed American, 0.0033%; no homozygotes.

Submissions (2):

GeneDx
Classification: Uncertain significance. Last evaluated: 2024-12-02. Review status: criteria provided, single submitter. Criteria: GeneDx Variant Classification Process June 2021. Collection method: clinical testing. Allele origin: germline. Affected: yes.
Comment: Not observed at significant frequency in large population cohorts (gnomAD); In silico analysis indicates that this missense variant does not alter protein structure/function; Has not been previously published as pathogenic or benign to our knowledge

Labcorp Genetics (formerly Invitae), Labcorp
Classification: Uncertain significance. Last evaluated: 2022-08-06. Review status: criteria provided, single submitter. Criteria: Invitae Variant Classification Sherloc (09022015). Collection method: clinical testing. Allele origin: germline.
Comment: In summary, the available evidence is currently insufficient to determine the role of this variant in disease. Therefore, it has been classified as a Variant of Uncertain Significance. Algorithms developed to predict the effect of missense changes on protein structure and function (SIFT, PolyPhen-2, Align-GVGD) all suggest that this variant is likely to be tolerated. ClinVar contains an entry for this variant (Variation ID: 1695705). This variant has not been reported in the literature in individuals affected with GPSM2-related conditions. This variant is present in population databases (rs750908300, gnomAD 0.006%). This sequence change replaces methionine, which is neutral and non-polar, with isoleucine, which is neutral and non-polar, at codon 373 of the GPSM2 protein (p.Met373Ile).